The following is an entry in ClinVar:

NM_002661.5(PLCG2):c.1258G>A (p.Ala420Thr)

Gene: PLCG2 (phospholipase C gamma 2; plus strand). Cytogenetic location: 16q23.3.
Variant type: single nucleotide variant.
Coding change: c.1258G>A on transcript NM_002661.5 (MANE Select); coding-DNA position 1258, G replaced by A.
Protein change: p.Ala420Thr; replaces alanine 420 with threonine.
Molecular consequence: missense variant.
Genome position (GRCh38, 1-based): chr16:81,900,676, G>A. VCF-style: chr16-81900676-G-A. GRCh37 (hg19) VCF-style: chr16-81934281-G-A.
Other names: p.Ala420Thr; short protein forms A420T.
Identifiers: ClinVar variation 472889 (VCV000472889.16), dbSNP rs201490178, ClinGen allele CA8193677.
Genomic context (GRCh38, chr16:81,900,676, plus strand): 5'-CCAGTGATCCTGTCCATCGAGGAGCACTGCAGCGTGGAGCAACAGCGTCACATGGCCAAG[G>A]CCTTCAAGGAAGTATTTGGCGACCTGCTGTTGACGAAGCCCACGGAGGCCAGTGCTGACC-3'
Protein context (NP_002652.2, residues 410-430): SVEQQRHMAK[Ala420Thr]FKEVFGDLLL

ClinVar aggregate classification (germline): Benign. Review status: criteria provided, multiple submitters, no conflicts (2 of 4 stars). 4 submissions from 4 submitters: Benign (3). 1 of the submissions does not count toward it. Last evaluated 2026-01-20.

Conditions:
Familial cold autoinflammatory syndrome 3 (FCAS3). Also called: FAMILIAL ATYPICAL COLD URTICARIA; ANTIBODY DEFICIENCY AND IMMUNE DYSREGULATION, PLCG2-ASSOCIATED. Identifiers: Orphanet 300359, MedGen C3280914, MONDO:0013766, OMIM 614468.
PLCG2-related disorder. Also called: PLCG2-related condition.

Allele frequency attached by ClinVar (database versions not stated): gnomAD 0.00004 and 0.00098; ESP Exome Variant Server 0.00008; TOPMed 0.00019; gnomAD exomes 0.00171 and 0.00362; ExAC 0.00431; 1000 Genomes Project 30x 0.00687; 1000 Genomes Project 0.00799.
gnomAD v4.1: 2,646 of 1,612,992 alleles (0.16%); highest among the groups gnomAD compares: South Asian, 2.7%; 70 homozygotes.

Submissions (4):

Labcorp Genetics (formerly Invitae), Labcorp
Classification: Benign for Familial cold autoinflammatory syndrome 3. Last evaluated: 2026-01-20. Review status: criteria provided, single submitter. Criteria: Invitae Variant Classification Sherloc (09022015). Collection method: clinical testing. Allele origin: germline.

Mayo Clinic Laboratories, Mayo Clinic
Classification: Benign. Last evaluated: 2021-05-20. Review status: criteria provided, single submitter. Criteria: ACMG Guidelines, 2015. Collection method: clinical testing. Allele origin: germline. Observed: 4 variant alleles.

Breakthrough Genomics
Classification: Benign. Review status: criteria provided, single submitter. Criteria: ACMG Guidelines, 2015. Collection method: not provided. Allele origin: germline. Inheritance: Autosomal dominant inheritance. Affected: yes.

PreventionGenetics, part of Exact Sciences
Classification: Benign for PLCG2-related condition. Last evaluated: 2024-02-29. Review status: no assertion criteria provided. Collection method: clinical testing. Allele origin: germline. Not counted in ClinVar's aggregate classification.
Comment: This variant is classified as benign based on ACMG/AMP sequence variant interpretation guidelines (Richards et al. 2015 PMID: 25741868, with internal and published modifications).